The following is an entry in ClinVar:

NM_001037.5(SCN1B):c.304C>T (p.Gln102Ter)

Gene: SCN1B (sodium voltage-gated channel beta subunit 1; plus strand). Cytogenetic location: 19q13.11.
Variant type: single nucleotide variant.
Coding change: c.304C>T on transcript NM_001037.5 (MANE Select); coding-DNA position 304, C replaced by T.
Protein change: p.Gln102Ter; replaces glutamine 102 with a stop codon.
Molecular consequence: nonsense.
Genome position (GRCh38, 1-based): chr19:35,033,595, C>T. VCF-style: chr19-35033595-C-T. GRCh37 (hg19) VCF-style: chr19-35524499-C-T.
Other names: c.205C>T, p.Gln69Ter (NM_001321605.2); c.304C>T, p.Gln102Ter (NM_199037.5); short protein forms Q102*, Q69*.
Identifiers: ClinVar variation 1449534 (VCV001449534.6), dbSNP rs2151746426, ClinGen allele CA405328739.

ClinVar aggregate classification (germline): Pathogenic (1 of 4 stars; one submission).

Conditions:
Brugada syndrome 5 (BRGDA5). Identifiers: Orphanet 130, Orphanet 871, MedGen C2748541, MONDO:0013015, OMIM 612838.

Submission:

Labcorp Genetics (formerly Invitae), Labcorp
Classification: Pathogenic for Brugada syndrome 5. Last evaluated: 2024-04-17. Review status: criteria provided, single submitter. Criteria: Invitae Variant Classification Sherloc (09022015). Collection method: clinical testing. Allele origin: germline.
Comment: This sequence change creates a premature translational stop signal (p.Gln102*) in the SCN1B gene. While this is not anticipated to result in nonsense mediated decay, it is expected to disrupt the last 167 amino acid(s) of the SCN1B protein. This variant is not present in population databases (gnomAD no frequency). This variant has not been reported in the literature in individuals affected with SCN1B-related conditions. ClinVar contains an entry for this variant (Variation ID: 1449534). This variant disrupts a region of the SCN1B protein in which other variant(s) (p.Trp179*) have been determined to be pathogenic (PMID: 18464934; Invitae). This suggests that this is a clinically significant region of the protein, and that variants that disrupt it are likely to be disease-causing. For these reasons, this variant has been classified as Pathogenic.

Literature cited by the submitters: PubMed 18464934.